The following is an entry in ClinVar:

NM_001127222.2(CACNA1A):c.1624A>T (p.Thr542Ser)

Gene: CACNA1A (calcium voltage-gated channel subunit alpha1 A; minus strand). Cytogenetic location: 19p13.13.
Variant type: single nucleotide variant.
Coding change: c.1624A>T on transcript NM_001127222.2 (MANE Select); coding-DNA position 1624, A replaced by T.
Protein change: p.Thr542Ser; replaces threonine 542 with serine.
Molecular consequence: missense variant.
Genome position (GRCh38, 1-based): chr19:13,312,713, T>A on the plus strand (A>T on the coding strand, the complement: CACNA1A is on the minus strand). VCF-style: chr19-13312713-T-A. GRCh37 (hg19) VCF-style: chr19-13423527-T-A.
Other names: c.1627A>T, p.Thr543Ser (NM_001174080.2, NM_023035.3, NM_000068.4 and 1 more transcripts); short protein forms T542S, T543S.
Identifiers: ClinVar variation 2649391 (VCV002649391.27), dbSNP rs2512966800, ClinGen allele CA404345376.
Genomic context (GRCh38, chr19:13,312,713, plus strand): 5'-AAACAAGAGCACTTACCCCACAGTCAAAGCAGTTGAAGGAAGAGTGGAAGTAAGGCCGCG[T>A]CCCAAGCCCGTACATTTTTATAAACATTTCGGACATAAAGAGTCCTAAGAAAATGAATTC-3'
Protein context (NP_001120694.1, residues 532-552): EMFIKMYGLG[Thr542Ser]RPYFHSSFNC

ClinVar aggregate classification (germline): Uncertain significance. Review status: criteria provided, multiple submitters, no conflicts (2 of 4 stars). 2 submissions from 2 submitters: Uncertain significance (2). Last evaluated 2023-08-10.

Conditions:
Developmental and epileptic encephalopathy, 42 (DEE42A). Also called: Epileptic encephalopathy, early infantile, 42; DEVELOPMENTAL AND EPILEPTIC ENCEPHALOPATHY 42A; EPILEPTIC ENCEPHALOPATHY, EARLY INFANTILE, 42A. Identifiers: MedGen C4310716, MONDO:0014917, OMIM 617106.
Episodic ataxia type 2 (EA2). Also called: ATAXIA, EPISODIC, WITH NYSTAGMUS; ATAXIA, FAMILIAL PAROXYSMAL; CEREBELLAR ATAXIA, PAROXYSMAL, ACETAZOLAMIDE-RESPONSIVE; CEREBELLOPATHY, HEREDITARY PAROXYSMAL; EPISODIC ATAXIA, NYSTAGMUS-ASSOCIATED; ACETAZOLAMIDE-RESPONSIVE HEREDITARY PAROXYSMAL CEREBELLAR ATAXIA. Identifiers: Orphanet 97, MedGen C1720416, MONDO:0007163, OMIM 108500.

Submissions (2):

Labcorp Genetics (formerly Invitae), Labcorp
Classification: Uncertain significance for Developmental and epileptic encephalopathy, 42; Episodic ataxia type 2. Last evaluated: 2023-08-10. Review status: criteria provided, single submitter. Criteria: Invitae Variant Classification Sherloc (09022015). Collection method: clinical testing. Allele origin: germline.
Comment: This variant is not present in population databases (gnomAD no frequency). In summary, the available evidence is currently insufficient to determine the role of this variant in disease. Therefore, it has been classified as a Variant of Uncertain Significance. Algorithms developed to predict the effect of sequence changes on RNA splicing suggest that this variant may disrupt the consensus splice site. Advanced modeling of protein sequence and biophysical properties (such as structural, functional, and spatial information, amino acid conservation, physicochemical variation, residue mobility, and thermodynamic stability) has been performed at Invitae for this missense variant, however the output from this modeling did not meet the statistical confidence thresholds required to predict the impact of this variant on CACNA1A protein function. This variant has not been reported in the literature in individuals affected with CACNA1A-related conditions. This sequence change replaces threonine, which is neutral and polar, with serine, which is neutral and polar, at codon 543 of the CACNA1A protein (p.Thr543Ser).

CeGaT Center for Human Genetics Tuebingen
Classification: Uncertain significance. Last evaluated: 2022-03-01. Review status: criteria provided, single submitter. Criteria: CeGaT Center For Human Genetics Tuebingen Variant Classification Criteria Version 2. Collection method: clinical testing. Allele origin: germline. Affected: yes. Observed: 1 variant allele.
Comment: CACNA1A: PM2, PP2